The following is an entry in ClinVar:

ClinVar aggregate classification (germline): Benign/Likely benign. Review status: criteria provided, multiple submitters, no conflicts (2 of 4 stars). 3 submissions from 3 submitters: Benign (1); Likely benign (2). Last evaluated 2025-07-01.

Allele frequency attached by ClinVar (database versions not stated): 1000 Genomes Project 0.00120; 1000 Genomes Project 30x 0.00125; gnomAD 0.00186 and 0.00187; gnomAD exomes 0.00191 and 0.00315; ExAC 0.00199; TOPMed 0.00199; ESP Exome Variant Server 0.00223.

Submissions (3):

CeGaT Center for Human Genetics Tuebingen
Classification: Likely benign. Last evaluated: 2025-07-01. Review status: criteria provided, single submitter. Criteria: CeGaT Center For Human Genetics Tuebingen Variant Classification Criteria Version 2. Collection method: clinical testing. Allele origin: germline. Affected: yes. Observed: 1 variant allele.
Comment: ARHGEF2: BP4, BS2

Blueprint Genetics
Classification: Likely benign. Last evaluated: 2024-11-18. Review status: criteria provided, single submitter. Criteria: ACMG Guidelines, 2015. Collection method: clinical testing. Allele origin: germline.

Labcorp Genetics (formerly Invitae), Labcorp
Classification: Benign. Last evaluated: 2019-12-31. Review status: criteria provided, single submitter. Criteria: Invitae Variant Classification Sherloc (09022015). Collection method: clinical testing. Allele origin: germline.

NM_001162383.2(ARHGEF2):c.1446G>A (p.Lys482=)

Genes: ARHGEF2 (Rho/Rac guanine nucleotide exchange factor 2; minus strand), LOC122128443 (CDK7 strongly-dependent group 2 enhancer GRCh37_chr1:155931313-155932512; plus strand). Cytogenetic location: 1q22.
Variant type: single nucleotide variant.
Coding change: c.1446G>A on transcript NM_001162383.2 (MANE Select); coding-DNA position 1446, G replaced by A.
Protein change: p.Lys482=; no amino-acid change (lysine 482 retained).
Molecular consequence: synonymous variant.
Genome position (GRCh38, 1-based): chr1:155,961,683, C>T on the plus strand (G>A on the coding strand, the complement: ARHGEF2 is on the minus strand). VCF-style: chr1-155961683-C-T. GRCh37 (hg19) VCF-style: chr1-155931474-C-T.
Other names: c.1443G>A, p.Lys481= (NM_001162384.2); c.1365G>A, p.Lys455= (NM_001350110.2, NM_001350111.2); c.1392G>A, p.Lys464= (NM_001350112.2); c.1362G>A, p.Lys454= (NM_004723.4).
Identifiers: ClinVar variation 775057 (VCV000775057.13), dbSNP rs148985760, ClinGen allele CA1153277.